The following is an entry in ClinVar:

NM_183357.3(ADCY5):c.304G>A (p.Ala102Thr)

Gene: ADCY5 (adenylate cyclase 5; minus strand). Cytogenetic location: 3q21.1.
Variant type: single nucleotide variant.
Coding change: c.304G>A on transcript NM_183357.3 (MANE Select); coding-DNA position 304, G replaced by A.
Protein change: p.Ala102Thr; replaces alanine 102 with threonine.
Molecular consequence: missense variant.
Genome position (GRCh38, 1-based): chr3:123,448,242, C>T on the plus strand (G>A on the coding strand, the complement: ADCY5 is on the minus strand). VCF-style: chr3-123448242-C-T. GRCh37 (hg19) VCF-style: chr3-123167089-C-T.
Other names: c.304G>A, p.Ala102Thr (NM_001378259.1); short protein forms A102T.
Identifiers: ClinVar variation 390053 (VCV000390053.27), dbSNP rs548282891, ClinGen allele CA2577700.
Genomic context (GRCh38, chr3:123,448,242, plus strand): 5'-CGCCCCGCCGCTGCCGGCGGCTGCCGCGACCGCAGTCGTCGCCGCCGCGCTCCTGCCAGG[C>T]GGACTTGGAGCGGAAGCTGAAGCCGAAGCCCCCGGCCAGGGGGTCGTCACCGCTCAGCGG-3'
Protein context (NP_899200.1, residues 92-112): GFGFSFRSKS[Ala102Thr]WQERGGDDCG

ClinVar aggregate classification (germline): Conflicting classifications of pathogenicity. Review status: criteria provided, conflicting classifications (1 of 4 stars). 5 submissions from 5 submitters: Uncertain significance (2); Benign (1); Likely benign (2). Last evaluated 2025-08-01.

Conditions:
Dyskinesia with orofacial involvement, autosomal dominant (DSKOD). Also called: Dyskinesia, familial, with facial myokymia; Familial dyskinesia and facial myokymia; Familial Dyskinesia with Facial Myokymia (FDFM). Identifiers: Orphanet 324588, MedGen C1847627, MONDO:0800028, OMIM 606703.
Inborn genetic diseases. Identifiers: MedGen C0950123, MeSH D030342.

Allele frequency attached by ClinVar (database versions not stated): gnomAD exomes 0.00008 and 0.00061; gnomAD 0.00015 and 0.00017; 1000 Genomes Project 30x 0.00016; TOPMed 0.00028; ExAC 0.00090.
gnomAD v4.1: 134 of 1,447,536 alleles (0.0093%); highest among the groups gnomAD compares: Admixed American, 0.27%; 1 homozygote.

Submissions (5):

CeGaT Center for Human Genetics Tuebingen
Classification: Uncertain significance. Last evaluated: 2025-08-01. Review status: criteria provided, single submitter. Criteria: CeGaT Center For Human Genetics Tuebingen Variant Classification Criteria Version 2. Collection method: clinical testing. Allele origin: germline. Affected: yes. Observed: 1 variant allele.

Labcorp Genetics (formerly Invitae), Labcorp
Classification: Benign. Last evaluated: 2025-01-14. Review status: criteria provided, single submitter. Criteria: Invitae Variant Classification Sherloc (09022015). Collection method: clinical testing. Allele origin: germline.

GeneDx
Classification: Likely benign. Last evaluated: 2022-12-01. Review status: criteria provided, single submitter. Criteria: GeneDx Variant Classification Process June 2021. Collection method: clinical testing. Allele origin: germline. Affected: yes.
Comment: In silico analysis supports that this missense variant does not alter protein structure/function; Has not been previously published as pathogenic or benign to our knowledge

Ambry Genetics
Classification: Likely benign for Inborn genetic diseases. Last evaluated: 2022-06-24. Review status: criteria provided, single submitter. Criteria: Ambry Variant Classification Scheme 2023. Collection method: clinical testing. Allele origin: germline.

Fulgent Genetics
Classification: Uncertain significance for Dyskinesia with orofacial involvement, autosomal dominant. Last evaluated: 2018-10-31. Review status: criteria provided, single submitter. Criteria: ACMG Guidelines, 2015. Collection method: clinical testing. Allele origin: unknown.